The following is an entry in ClinVar:

ClinVar aggregate classification (germline): Uncertain significance (1 of 4 stars; one submission).

Conditions:
Nephrolithiasis/nephrocalcinosis. Identifiers: MedGen CN580796.

Submission:

Ambry Genetics
Classification: Uncertain significance for Nephrolithiasis/nephrocalcinosis. Last evaluated: 2021-06-26. Review status: criteria provided, single submitter. Criteria: Ambry Variant Classification Scheme 2023. Collection method: clinical testing. Allele origin: germline.
Comment: The p.I427L variant (also known as c.1279A>C), located in coding exon 3 of the CASR gene, results from an A to C substitution at nucleotide position 1279. The isoleucine at codon 427 is replaced by leucine, an amino acid with highly similar properties. This amino acid position is conserved. In addition, the in silico prediction for this alteration is inconclusive. Since supporting evidence is limited at this time, the clinical significance of this alteration remains unclear.

NM_000388.4(CASR):c.1279A>C (p.Ile427Leu)

Gene: CASR (calcium sensing receptor; plus strand). Cytogenetic location: 3q21.1.
Variant type: single nucleotide variant.
Coding change: c.1279A>C on transcript NM_000388.4 (MANE Select); coding-DNA position 1279, A replaced by C.
Protein change: p.Ile427Leu; replaces isoleucine 427 with leucine.
Molecular consequence: missense variant.
Genome position (GRCh38, 1-based): chr3:122,262,314, A>C. VCF-style: chr3-122262314-A-C. GRCh37 (hg19) VCF-style: chr3-121981161-A-C.
Other names: c.1279A>C, p.Ile427Leu (NM_001178065.2); short protein forms I427L.
Identifiers: ClinVar variation 1767244 (VCV001767244.2), dbSNP rs2074637558, ClinGen allele CA354152984.